The following is an entry in ClinVar:

ClinVar aggregate classification (germline): Uncertain significance. Review status: criteria provided, multiple submitters, no conflicts (2 of 4 stars). 4 submissions from 4 submitters: Uncertain significance (4). Last evaluated 2025-07-25.

Conditions:
Cardiomyopathy (CMYO). Also called: Cardiomyopathies. Identifiers: Orphanet 167848, MedGen C0878544, MONDO:0004994, HP:0001638. Inheritance: Various modes of inheritance.
Cardiovascular phenotype. Identifiers: MedGen CN230736.
Hypertrophic cardiomyopathy. Also called: HYPERTROPHIC MYOCARDIOPATHY. Identifiers: Orphanet 217569, MedGen C0007194, MeSH D002312, MONDO:0005045, HP:0001639.

Allele frequency attached by ClinVar (database versions not stated): TOPMed below 0.00001.

Submissions (4):

Ambry Genetics
Classification: Uncertain significance for Cardiovascular phenotype. Last evaluated: 2025-07-25. Review status: criteria provided, single submitter. Criteria: Ambry Variant Classification Scheme 2023. Collection method: clinical testing. Allele origin: germline.
Comment: The p.R54L variant (also known as c.161G>T), located in coding exon 1 of the MYH7 gene, results from a G to T substitution at nucleotide position 161. The arginine at codon 54 is replaced by leucine, an amino acid with dissimilar properties. This amino acid position is well conserved in available vertebrate species. In addition, the in silico prediction for this alteration is inconclusive. Based on the available evidence, the clinical significance of this variant remains unclear.

Labcorp Genetics (formerly Invitae), Labcorp
Classification: Uncertain significance for Hypertrophic cardiomyopathy. Last evaluated: 2024-07-11. Review status: criteria provided, single submitter. Criteria: Invitae Variant Classification Sherloc (09022015). Collection method: clinical testing. Allele origin: germline.
Comment: This sequence change replaces arginine, which is basic and polar, with leucine, which is neutral and non-polar, at codon 54 of the MYH7 protein (p.Arg54Leu). This variant is present in population databases (rs397516117, gnomAD 0.0009%). This variant has not been reported in the literature in individuals affected with MYH7-related conditions. ClinVar contains an entry for this variant (Variation ID: 626823). Advanced modeling of protein sequence and biophysical properties (such as structural, functional, and spatial information, amino acid conservation, physicochemical variation, residue mobility, and thermodynamic stability) performed at Invitae indicates that this missense variant is expected to disrupt MYH7 protein function with a positive predictive value of 95%. In summary, the available evidence is currently insufficient to determine the role of this variant in disease. Therefore, it has been classified as a Variant of Uncertain Significance.

All of Us Research Program, National Institutes of Health
Classification: Uncertain significance for Cardiomyopathy. Last evaluated: 2024-03-24. Review status: criteria provided, single submitter. Criteria: ACMG Guidelines, 2015. Collection method: clinical testing. Allele origin: germline. Inheritance: Autosomal dominant inheritance. Observed: 1 variant allele, 1 heterozygote.
Comment: This missense variant replaces arginine with leucine at codon 54 of the MYH7 protein. Computational prediction tools indicate that this variant has a neutral impact on protein structure and function. To our knowledge, functional studies have not been reported for this variant. This variant has been reported in one individual affected with hypertrophic cardiomyopathy (PMID: 27600940); this individual also carried a pathogenic truncation variant in the MYBPC3 gene. This variant has also been reported in one individual affected with sudden cardiac death (PMID: 28912206). This variant has been identified in 1/251440 chromosomes in the general population by the Genome Aggregation Database (gnomAD). The available evidence is insufficient to determine the role of this variant in disease conclusively. Therefore, this variant is classified as a Variant of Uncertain Significance.

This study involves interpretation of variants in research participants for the purpose of population health screening. Participant phenotype was not available at the time of variant classification. Additional details can be found in publication PMID: 35346344, PMCID: PMC8962531

CHEO Genetics Diagnostic Laboratory, Children's Hospital of Eastern Ontario
Classification: Uncertain significance for Cardiomyopathy. Last evaluated: 2017-08-04. Review status: criteria provided, single submitter. Criteria: ACMG Guidelines, 2015. Collection method: clinical testing. Allele origin: germline. Study: Canadian Open Genetics Repository.

Literature cited by the submitters: PubMed 27600940 (cited by All of Us Research Program, National Institutes of Health); PubMed 28912206 (cited by All of Us Research Program, National Institutes of Health).

NM_000257.4(MYH7):c.161G>T (p.Arg54Leu)

Gene: MYH7 (myosin heavy chain 7; minus strand). Cytogenetic location: 14q11.2.
Variant type: single nucleotide variant.
Coding change: c.161G>T on transcript NM_000257.4 (MANE Select); coding-DNA position 161, G replaced by T.
Protein change: p.Arg54Leu; replaces arginine 54 with leucine.
Molecular consequence: missense variant.
Genome position (GRCh38, 1-based): chr14:23,433,572, C>A on the plus strand (G>T on the coding strand, the complement: MYH7 is on the minus strand). VCF-style: chr14-23433572-C-A. GRCh37 (hg19) VCF-style: chr14-23902781-C-A.
Other names: c.161G>T (LRG_384t1); short protein forms R54L.
Identifiers: ClinVar variation 626823 (VCV000626823.7), dbSNP rs397516117, ClinGen allele CA028998.